The following is an entry in ClinVar:

ClinVar aggregate classification (germline): Likely benign (1 of 4 stars; one submission).

Allele frequency attached by ClinVar (database versions not stated): 1000 Genomes Project 0.00160; 1000 Genomes Project 30x 0.00187; gnomAD 0.00259; ExAC 0.00285; TOPMed 0.00339; ESP Exome Variant Server 0.00354.
gnomAD v4.1: 5,658 of 1,613,488 alleles (0.35%); highest among the groups gnomAD compares: Middle Eastern, 1%; 17 homozygotes.

Submission:

CeGaT Center for Human Genetics Tuebingen
Classification: Likely benign. Last evaluated: 2023-03-01. Review status: criteria provided, single submitter. Criteria: CeGaT Center For Human Genetics Tuebingen Variant Classification Criteria Version 2. Collection method: clinical testing. Allele origin: germline. Affected: yes. Observed: 1 variant allele.
Comment: LPIN3: BP4, BP7, BS2

NM_022896.3(LPIN3):c.24G>A (p.Ala8=)

Gene: LPIN3 (lipin 3; plus strand). Cytogenetic location: 20q12.
Variant type: single nucleotide variant.
Coding change: c.24G>A on transcript NM_022896.3 (MANE Select); coding-DNA position 24, G replaced by A.
Protein change: p.Ala8=; no amino-acid change (alanine 8 retained).
Molecular consequence: synonymous variant. On other transcripts: non-coding transcript variant (1).
Genome position (GRCh38, 1-based): chr20:41,345,827, G>A. VCF-style: chr20-41345827-G-A. GRCh37 (hg19) VCF-style: chr20-39974467-G-A.
Other names: c.24G>A, p.Ala8= (NM_001301860.2).
Identifiers: ClinVar variation 2652325 (VCV002652325.24), dbSNP rs61730992, ClinGen allele CA9860202.
Genomic context (GRCh38, chr20:41,345,827, plus strand): 5'-TTGTGCAAGCCACTGCCTTTCTTTGCCAGCACCAGCCATGAACTACGTGGGGCAGCTGGC[G>A]GAGACGGTGTTTGGGACGGTGAAGGAGCTGTACCGGGGCCTGAACCCAGCCACACTGAGC-3'
Protein context (NP_075047.1, residues 1-18): MNYVGQL[Ala8=]ETVFGTVKEL